The following is an entry in ClinVar:

NM_020987.5(ANK3):c.208T>A (p.Cys70Ser)

Gene: ANK3 (ankyrin 3; minus strand). Cytogenetic location: 10q21.2.
Variant type: single nucleotide variant.
Coding change: c.208T>A on transcript NM_020987.5 (MANE Select); coding-DNA position 208, T replaced by A.
Protein change: p.Cys70Ser; replaces cysteine 70 with serine.
Molecular consequence: missense variant.
Genome position (GRCh38, 1-based): chr10:60,279,546, A>T on the plus strand (T>A on the coding strand, the complement: ANK3 is on the minus strand). VCF-style: chr10-60279546-A-T. GRCh37 (hg19) VCF-style: chr10-62039304-A-T.
Other names: c.190T>A, p.Cys64Ser (NM_001204403.2); c.157T>A, p.Cys53Ser (NM_001204404.2); c.208T>A, p.Cys70Ser (NM_001320874.2); short protein forms C53S, C64S, C70S.
Identifiers: ClinVar variation 4536472 (VCV004536472.1).
Genomic context (GRCh38, chr10:60,279,546, plus strand): 5'-GTCTGGATTTTTAGAATTTTAAGTAAAAAATTCAATAATAACTCCAGCTAACCTGATTGC[A>T]AATGTTGATGTCAACTCCATTTTTTATGTAGTCGAGGGCCTTTTCAAGGTGTCCAGCTCG-3'
Protein context (NP_066267.2, residues 60-80): YIKNGVDINI[Cys70Ser]NQNGLNALHL

ClinVar aggregate classification (germline): Uncertain significance (1 of 4 stars; one submission).

Submission:

GeneDx
Classification: Uncertain significance. Last evaluated: 2025-06-02. Review status: criteria provided, single submitter. Criteria: GeneDx Variant Classification Process June 2021. Collection method: clinical testing. Allele origin: germline. Affected: yes.
Comment: Not observed at significant frequency in large population cohorts (gnomAD); In silico analysis supports that this missense variant has a deleterious effect on protein structure/function; Has not been previously published as pathogenic or benign to our knowledge